The following is an entry in ClinVar:

NM_014423.4(AFF4):c.1037C>T (p.Pro346Leu)

Gene: AFF4 (ALF transcription elongation factor 4; minus strand). Cytogenetic location: 5q31.1.
Variant type: single nucleotide variant.
Coding change: c.1037C>T on transcript NM_014423.4 (MANE Select); coding-DNA position 1037, C replaced by T.
Protein change: p.Pro346Leu; replaces proline 346 with leucine.
Molecular consequence: missense variant.
Genome position (GRCh38, 1-based): chr5:132,927,134, G>A on the plus strand (C>T on the coding strand, the complement: AFF4 is on the minus strand). VCF-style: chr5-132927134-G-A. GRCh37 (hg19) VCF-style: chr5-132262826-G-A.
Other names: short protein forms P346L.
Identifiers: ClinVar variation 3655893 (VCV003655893.2).

ClinVar aggregate classification (germline): Uncertain significance (1 of 4 stars; one submission).

Conditions:
Cognitive impairment - coarse facies - heart defects - obesity - pulmonary involvement - short stature - skeletal dysplasia syndrome. Also called: AFF4-Related CHOPS Syndrome; COGNITIVE IMPAIRMENT, COARSE FACIES, HEART DEFECTS, OBESITY, PULMONARY INVOLVEMENT, SHORT STATURE, AND SKELETAL DYSPLASIA; Chops syndrome. Identifiers: Orphanet 444077, MedGen C4085597, MONDO:0014609, OMIM 616368.

Submission:

Labcorp Genetics (formerly Invitae), Labcorp
Classification: Uncertain significance for Cognitive impairment - coarse facies - heart defects - obesity - pulmonary involvement - short stature - skeletal dysplasia syndrome. Last evaluated: 2025-01-05. Review status: criteria provided, single submitter. Criteria: Invitae Variant Classification Sherloc (09022015). Collection method: clinical testing. Allele origin: germline.
Comment: This sequence change replaces proline, which is neutral and non-polar, with leucine, which is neutral and non-polar, at codon 346 of the AFF4 protein (p.Pro346Leu). This variant is not present in population databases (gnomAD no frequency). This variant has not been reported in the literature in individuals affected with AFF4-related conditions. Invitae Evidence Modeling of protein sequence and biophysical properties (such as structural, functional, and spatial information, amino acid conservation, physicochemical variation, residue mobility, and thermodynamic stability) indicates that this missense variant is expected to disrupt AFF4 protein function with a positive predictive value of 80%. In summary, the available evidence is currently insufficient to determine the role of this variant in disease. Therefore, it has been classified as a Variant of Uncertain Significance.